The following is an entry in ClinVar:

ClinVar aggregate classification (germline): Uncertain significance. Review status: criteria provided, multiple submitters, no conflicts (2 of 4 stars). 3 submissions from 3 submitters: Uncertain significance (3). Last evaluated 2025-10-22.

Conditions:
Inborn genetic diseases. Identifiers: MedGen C0950123, MeSH D030342.

Allele frequency attached by ClinVar (database versions not stated): gnomAD 0.00005 and 0.00006; gnomAD exomes 0.00005 and 0.00006; ExAC 0.00007; TOPMed 0.00007; ESP Exome Variant Server 0.00008; 1000 Genomes Project 30x 0.00031; 1000 Genomes Project 0.00040.
gnomAD v4.1: 84 of 1,614,156 alleles (0.0052%); highest among the groups gnomAD compares: Middle Eastern, 0.05%; no homozygotes.

Submissions (3):

Ambry Genetics
Classification: Uncertain significance for Inborn genetic diseases. Last evaluated: 2025-10-22. Review status: criteria provided, single submitter. Criteria: Ambry Variant Classification Scheme 2023. Collection method: clinical testing. Allele origin: germline.

Blueprint Genetics
Classification: Uncertain significance. Last evaluated: 2024-09-16. Review status: criteria provided, single submitter. Criteria: ACMG Guidelines, 2015. Collection method: clinical testing. Allele origin: germline.

Labcorp Genetics (formerly Invitae), Labcorp
Classification: Uncertain significance. Last evaluated: 2022-08-21. Review status: criteria provided, single submitter. Criteria: Invitae Variant Classification Sherloc (09022015). Collection method: clinical testing. Allele origin: germline.
Comment: This sequence change replaces glutamic acid, which is acidic and polar, with lysine, which is basic and polar, at codon 793 of the ADAMTS17 protein (p.Glu793Lys). This variant is present in population databases (rs139385294, gnomAD 0.01%). This variant has not been reported in the literature in individuals affected with ADAMTS17-related conditions. ClinVar contains an entry for this variant (Variation ID: 1478621). Algorithms developed to predict the effect of missense changes on protein structure and function are either unavailable or do not agree on the potential impact of this missense change (SIFT: "Not Available"; PolyPhen-2: "Possibly Damaging"; Align-GVGD: "Not Available"). In summary, the available evidence is currently insufficient to determine the role of this variant in disease. Therefore, it has been classified as a Variant of Uncertain Significance.

NM_139057.4(ADAMTS17):c.2377G>A (p.Glu793Lys)

Gene: ADAMTS17 (ADAM metallopeptidase with thrombospondin type 1 motif 17; minus strand). Cytogenetic location: 15q26.3.
Variant type: single nucleotide variant.
Coding change: c.2377G>A on transcript NM_139057.4 (MANE Select); coding-DNA position 2377, G replaced by A.
Protein change: p.Glu793Lys; replaces glutamic acid 793 with lysine.
Molecular consequence: missense variant.
Genome position (GRCh38, 1-based): chr15:100,051,650, C>T on the plus strand (G>A on the coding strand, the complement: ADAMTS17 is on the minus strand). VCF-style: chr15-100051650-C-T. GRCh37 (hg19) VCF-style: chr15-100591855-C-T.
Other names: c.2377G>A (NM_139057.2); short protein forms E793K.
Identifiers: ClinVar variation 1478621 (VCV001478621.5), dbSNP rs139385294, ClinGen allele CA7757754.